The following is an entry in ClinVar:

NM_001375524.1(TRRAP):c.5026C>T (p.Arg1676Cys)

Genes: TRRAP (transformation/transcription domain associated protein; plus strand), LOC126860121 (MED14-independent group 3 enhancer GRCh37_chr7:98547245-98548444; plus strand). Cytogenetic location: 7q22.1.
Variant type: single nucleotide variant.
Coding change: c.5026C>T on transcript NM_001375524.1 (MANE Select); coding-DNA position 5026, C replaced by T.
Protein change: p.Arg1676Cys; replaces arginine 1676 with cysteine.
Molecular consequence: missense variant.
Genome position (GRCh38, 1-based): chr7:98,949,732, C>T. VCF-style: chr7-98949732-C-T. GRCh37 (hg19) VCF-style: chr7-98547355-C-T.
Other names: c.5005C>T, p.Arg1669Cys (NM_001244580.2); c.4951C>T, p.Arg1651Cys (NM_003496.4); short protein forms R1651C, R1669C, R1676C.
Identifiers: ClinVar variation 4536664 (VCV004536664.1).

ClinVar aggregate classification (germline): Uncertain significance (1 of 4 stars; one submission).

gnomAD v4.1: 22 of 1,613,972 alleles (0.0014%); highest among the groups gnomAD compares: Non-Finnish European, 0.0015%; no homozygotes.

Submission:

Women's Health and Genetics/Laboratory Corporation of America, LabCorp
Classification: Uncertain significance. Last evaluated: 2025-11-17. Review status: criteria provided, single submitter. Criteria: LabCorp Variant Classification Summary - May 2015. Collection method: clinical testing. Allele origin: germline.
Comment: Variant summary: TRRAP c.4951C>T (p.Arg1651Cys) results in a non-conservative amino acid change in the encoded protein sequence. Algorithms developed to predict the effect of missense changes on protein structure and function are either unavailable or do not agree on the potential impact of this missense change. The variant allele was found at a frequency of 4e-06 in 250330 control chromosomes. The available data on variant occurrences in the general population are insufficient to allow any conclusion about variant significance. To our knowledge, no occurrence of c.4951C>T in individuals affected with TRRAP-related conditions and no experimental evidence demonstrating its impact on protein function have been reported. No submitters have cited clinical-significance assessments for this variant to ClinVar. Based on the evidence outlined above, the variant was classified as uncertain significance.